The following is an entry in ClinVar:

NM_001267550.2(TTN):c.6446T>A (p.Ile2149Asn)

Gene: TTN (titin; minus strand). Cytogenetic location: 2q31.2.
Variant type: single nucleotide variant.
Coding change: c.6446T>A on transcript NM_001267550.2 (MANE Select); coding-DNA position 6446, T replaced by A.
Protein change: p.Ile2149Asn; replaces isoleucine 2149 with asparagine.
Molecular consequence: missense variant.
Genome position (GRCh38, 1-based): chr2:178,775,418, A>T on the plus strand (T>A on the coding strand, the complement: TTN is on the minus strand). VCF-style: chr2-178775418-A-T. GRCh37 (hg19) VCF-style: chr2-179640145-A-T.
Other names: c.6446T>A, p.Ile2149Asn (NM_133379.5, NM_001256850.1, NM_133378.4); c.6308T>A, p.Ile2103Asn (NM_133432.3, NM_133437.4, NM_003319.4); short protein forms I2103N, I2149N.
Identifiers: ClinVar variation 4875135 (VCV004875135.2).

ClinVar aggregate classification (germline): Uncertain significance (1 of 4 stars; one submission).

Submission:

CeGaT Center for Human Genetics Tuebingen
Classification: Uncertain significance. Last evaluated: 2026-06-01. Review status: criteria provided, single submitter. Criteria: CeGaT Center For Human Genetics Tuebingen Variant Classification Criteria Version 2. Collection method: clinical testing. Allele origin: germline. Affected: yes. Observed: 1 variant allele.
Comment: TTN: PM2, PP3